The following is an entry in ClinVar:

NM_001290043.2(TAP2):c.970G>A (p.Ala324Thr)

Gene: TAP2 (transporter 2, ATP binding cassette subfamily B member; minus strand). Cytogenetic location: 6p21.32.
Variant type: single nucleotide variant.
Coding change: c.970G>A on transcript NM_001290043.2 (MANE Select); coding-DNA position 970, G replaced by A.
Protein change: p.Ala324Thr; replaces alanine 324 with threonine.
Molecular consequence: missense variant.
Genome position (GRCh38, 1-based): chr6:32,832,800, C>T on the plus strand (G>A on the coding strand, the complement: TAP2 is on the minus strand). VCF-style: chr6-32832800-C-T. GRCh37 (hg19) VCF-style: chr6-32800577-C-T.
Other names: c.970G>A, p.Ala324Thr (NM_000544.3, NM_018833.3); short protein forms A324T.
Identifiers: ClinVar variation 534728 (VCV000534728.16), dbSNP rs143726288, ClinGen allele CA3746025.

ClinVar aggregate classification (germline): Conflicting classifications of pathogenicity. Review status: criteria provided, conflicting classifications (1 of 4 stars). 4 submissions from 4 submitters: Uncertain significance (1); Likely benign (2). 1 of the submissions does not count toward it. Last evaluated 2026-01-26.

Conditions:
TAP2-related disorder. Also called: TAP2-related condition.
MHC class I deficiency. Identifiers: Orphanet 34592, MedGen C6024714, MONDO:0011476.

Allele frequency attached by ClinVar (database versions not stated): 1000 Genomes Project 0.00020; TOPMed 0.00045; 1000 Genomes Project 30x 0.00047; ESP Exome Variant Server 0.00071; ExAC 0.00073; gnomAD 0.00076 and 0.00078.

Submissions (4):

Labcorp Genetics (formerly Invitae), Labcorp
Classification: Likely benign for MHC class I deficiency 1. Last evaluated: 2026-01-26. Review status: criteria provided, single submitter. Criteria: Invitae Variant Classification Sherloc (09022015). Collection method: clinical testing. Allele origin: germline.

Blueprint Genetics
Classification: Uncertain significance. Last evaluated: 2024-11-26. Review status: criteria provided, single submitter. Criteria: ACMG Guidelines, 2015. Collection method: clinical testing. Allele origin: germline.

Breakthrough Genomics
Classification: Likely benign. Review status: criteria provided, single submitter. Criteria: ACMG Guidelines, 2015. Collection method: not provided. Allele origin: germline. Inheritance: Autosomal recessive inheritance. Affected: yes.

PreventionGenetics, part of Exact Sciences
Classification: Likely benign for TAP2-related condition. Last evaluated: 2023-07-11. Review status: no assertion criteria provided. Collection method: clinical testing. Allele origin: germline. Not counted in ClinVar's aggregate classification.
Comment: This variant is classified as likely benign based on ACMG/AMP sequence variant interpretation guidelines (Richards et al. 2015 PMID: 25741868, with internal and published modifications).